The following is an entry in ClinVar:

ClinVar aggregate classification (germline): Conflicting classifications of pathogenicity. Review status: criteria provided, conflicting classifications (1 of 4 stars). 5 submissions from 5 submitters: Pathogenic (1); Uncertain significance (4). Last evaluated 2024-12-09.

Conditions:
Spastic paraplegia. Identifiers: MedGen C0037772, HP:0001258.
Hereditary spastic paraplegia. Also called: Familial spastic paraparesis. Identifiers: Orphanet 685, MedGen C0037773, MONDO:0019064. Disease mechanism: loss of function.
Hereditary spastic paraplegia 35. Also called: Spastic paraplegia 35; SPASTIC PARAPLEGIA 35, AUTOSOMAL RECESSIVE, WITH OR WITHOUT NEURODEGENERATION; LEUKODYSTROPHY, DYSMYELINATING, AND SPASTIC PARAPARESIS WITH OR WITHOUT DYSTONIA; Spastic paraplegia 35, autosomal recessive. Identifiers: Orphanet 171629, MedGen C3496228, MONDO:0012866, OMIM 612319.

Allele frequency attached by ClinVar (database versions not stated): gnomAD exomes 0.00001 and 0.00002; ExAC 0.00002; TOPMed 0.00002.

Submissions (5):

Labcorp Genetics (formerly Invitae), Labcorp
Classification: Uncertain significance for Spastic paraplegia. Last evaluated: 2024-12-09. Review status: criteria provided, single submitter. Criteria: Invitae Variant Classification Sherloc (09022015). Collection method: clinical testing. Allele origin: germline.
Comment: This sequence change replaces glycine, which is neutral and non-polar, with arginine, which is basic and polar, at codon 217 of the FA2H protein (p.Gly217Arg). The frequency data for this variant in the population databases is considered unreliable, as metrics indicate poor data quality at this position in the gnomAD database. This missense change has been observed in individuals with hereditary spastic paraplegia (PMID: 27957547, 37410270; internal data). ClinVar contains an entry for this variant (Variation ID: 241463). Invitae Evidence Modeling of protein sequence and biophysical properties (such as structural, functional, and spatial information, amino acid conservation, physicochemical variation, residue mobility, and thermodynamic stability) indicates that this missense variant is not expected to disrupt FA2H protein function with a negative predictive value of 80%. In summary, the available evidence is currently insufficient to determine the role of this variant in disease. Therefore, it has been classified as a Variant of Uncertain Significance.

Women's Health and Genetics/Laboratory Corporation of America, LabCorp
Classification: Uncertain significance. Last evaluated: 2024-04-03. Review status: criteria provided, single submitter. Criteria: LabCorp Variant Classification Summary - May 2015. Collection method: clinical testing. Allele origin: germline.
Comment: Variant summary: FA2H c.649G>A (p.Gly217Arg) results in a non-conservative amino acid change in the encoded protein sequence. Four of five in-silico tools predict a benign effect of the variant on protein function. The variant allele was found at a frequency of 8e-06 in 250852 control chromosomes (gnomAD). These data indicate that the variant may be associated with disease. To our knowledge, no experimental evidence demonstrating an impact on protein function has been reported. The following publications have been ascertained in the context of this evaluation (PMID: 27957547, 34983064). ClinVar contains an entry for this variant (Variation ID: 241463). Based on the evidence outlined above, the variant was classified as VUS-possibly pathogenic.

Mayo Clinic Laboratories, Mayo Clinic
Classification: Uncertain significance. Last evaluated: 2023-05-15. Review status: criteria provided, single submitter. Criteria: ACMG Guidelines, 2015. Collection method: clinical testing. Allele origin: germline. Observed: 1 variant allele.
Comment: PM2

Genome Diagnostics Laboratory, The Hospital for Sick Children
Classification: Uncertain significance for Hereditary spastic paraplegia. Last evaluated: 2016-12-12. Review status: criteria provided, single submitter. Criteria: ACMG Guidelines, 2015. Collection method: clinical testing. Allele origin: germline. Affected: yes.

Paris Brain Institute, Inserm - ICM
Classification: Pathogenic for Hereditary spastic paraplegia 35. Review status: criteria provided, single submitter. Criteria: ACMG Guidelines, 2015. Collection method: clinical testing. Allele origin: unknown. Affected: yes. Observed: 2 variant alleles.

Literature cited by the submitters: PubMed 27957547 (cited by 3 submitters); PubMed 37410270 (cited by Labcorp Genetics (formerly Invitae), Labcorp); PubMed 34983064 (cited by Women's Health and Genetics/Laboratory Corporation of America, LabCorp).

NM_024306.5(FA2H):c.649G>A (p.Gly217Arg)

Gene: FA2H (fatty acid 2-hydroxylase; minus strand). Cytogenetic location: 16q23.1.
Variant type: single nucleotide variant.
Coding change: c.649G>A on transcript NM_024306.5 (MANE Select); coding-DNA position 649, G replaced by A.
Protein change: p.Gly217Arg; replaces glycine 217 with arginine.
Molecular consequence: missense variant.
Genome position (GRCh38, 1-based): chr16:74,719,125, C>T on the plus strand (G>A on the coding strand, the complement: FA2H is on the minus strand). VCF-style: chr16-74719125-C-T. GRCh37 (hg19) VCF-style: chr16-74753023-C-T.
Other names: p.Gly217Arg; short protein forms G217R.
Identifiers: ClinVar variation 241463 (VCV000241463.15), dbSNP rs775750642, ClinGen allele CA8170441.
Genomic context (GRCh38, chr16:74,719,125, plus strand): 5'-GGAAGCGGTGGATGAGGTACTCGATGAGGCTCCAGAGGAATGTCCCCAGCATGAAGAGCC[C>T]GGGGAACATGGACTTGGGCACTGCCACCGTGTACTCTGCAGGGTGGCAGGGAGAGCGAGG-3'
Protein context (NP_077282.3, residues 207-227): TVAVPKSMFP[Gly217Arg]LFMLGTFLWS